The following is an entry in ClinVar:

ClinVar aggregate classification (germline): Uncertain significance (1 of 4 stars; one submission).

Submission:

Labcorp Genetics (formerly Invitae), Labcorp
Classification: Uncertain significance. Last evaluated: 2022-10-24. Review status: criteria provided, single submitter. Criteria: Invitae Variant Classification Sherloc (09022015). Collection method: clinical testing. Allele origin: germline.
Comment: In summary, the available evidence is currently insufficient to determine the role of this variant in disease. Therefore, it has been classified as a Variant of Uncertain Significance. Algorithms developed to predict the effect of missense changes on protein structure and function (SIFT, PolyPhen-2, Align-GVGD) all suggest that this variant is likely to be tolerated. This variant has not been reported in the literature in individuals affected with GRIA3-related conditions. This variant is not present in population databases (gnomAD no frequency). This sequence change replaces lysine, which is basic and polar, with arginine, which is basic and polar, at codon 867 of the GRIA3 protein (p.Lys867Arg).

NM_007325.5(GRIA3):c.2600A>G (p.Lys867Arg)

Gene: GRIA3 (glutamate ionotropic receptor AMPA type subunit 3; plus strand). Cytogenetic location: Xq25.
Variant type: single nucleotide variant.
Coding change: c.2600A>G on transcript NM_007325.5 (MANE Select); coding-DNA position 2600, A replaced by G.
Protein change: p.Lys867Arg; replaces lysine 867 with arginine.
Molecular consequence: missense variant.
Genome position (GRCh38, 1-based): chrX:123,482,959, A>G. VCF-style: chrX-123482959-A-G. GRCh37 (hg19) VCF-style: chrX-122616810-A-G.
Other names: c.2600A>G, p.Lys867Arg (NM_000828.5); short protein forms K867R.
Identifiers: ClinVar variation 2134119 (VCV002134119.4), dbSNP rs2521368440, ClinGen allele CA414256173.